The following is an entry in ClinVar:

NM_000046.5(ARSB):c.925G>A (p.Gly309Ser)

Gene: ARSB (arylsulfatase B; minus strand). Cytogenetic location: 5q14.1.
Variant type: single nucleotide variant.
Coding change: c.925G>A on transcript NM_000046.5 (MANE Select); coding-DNA position 925, G replaced by A.
Protein change: p.Gly309Ser; replaces glycine 309 with serine.
Molecular consequence: missense variant.
Genome position (GRCh38, 1-based): chr5:78,885,801, C>T on the plus strand (G>A on the coding strand, the complement: ARSB is on the minus strand). VCF-style: chr5-78885801-C-T. GRCh37 (hg19) VCF-style: chr5-78181624-C-T.
Other names: c.925G>A, p.Gly309Ser (NM_198709.3); c.925G>A (NM_000046.3); short protein forms G309S.
Identifiers: ClinVar variation 2176308 (VCV002176308.2), dbSNP rs945514196, ClinGen allele CA121690801.

ClinVar aggregate classification (germline): Uncertain significance. Review status: criteria provided, multiple submitters, no conflicts (2 of 4 stars). 2 submissions from 2 submitters: Uncertain significance (2). Last evaluated 2022-03-11.

Conditions:
Inborn genetic diseases. Identifiers: MedGen C0950123, MeSH D030342.
Mucopolysaccharidosis type 6 (MPS6). Also called: MPS 6; Maroteaux Lamy syndrome; MPS VI; N-ACETYLGALACTOSAMINE-4-SULFATASE DEFICIENCY; ARSB DEFICIENCY; ARYLSULFATASE B DEFICIENCY. Identifiers: Orphanet 583, MedGen C0026709, MONDO:0009661, OMIM 253200.

Allele frequency attached by ClinVar (database versions not stated): gnomAD exomes 0.00001; TOPMed 0.00001.
gnomAD v4.1: 6 of 1,614,174 alleles (0.00037%); highest among the groups gnomAD compares: Non-Finnish European, 0.00051%; no homozygotes.

Submissions (2):

Labcorp Genetics (formerly Invitae), Labcorp
Classification: Uncertain significance for Mucopolysaccharidosis type 6. Last evaluated: 2022-03-11. Review status: criteria provided, single submitter. Criteria: Invitae Variant Classification Sherloc (09022015). Collection method: clinical testing. Allele origin: germline.
Comment: This sequence change replaces glycine, which is neutral and non-polar, with serine, which is neutral and polar, at codon 309 of the ARSB protein (p.Gly309Ser). This variant is not present in population databases (gnomAD no frequency). This variant has not been reported in the literature in individuals affected with ARSB-related conditions. Advanced modeling of protein sequence and biophysical properties (such as structural, functional, and spatial information, amino acid conservation, physicochemical variation, residue mobility, and thermodynamic stability) performed at Invitae indicates that this missense variant is expected to disrupt ARSB protein function. In summary, the available evidence is currently insufficient to determine the role of this variant in disease. Therefore, it has been classified as a Variant of Uncertain Significance.

Ambry Genetics
Classification: Uncertain significance for Inborn genetic diseases. Last evaluated: 2021-09-16. Review status: criteria provided, single submitter. Criteria: Ambry Variant Classification Scheme 2023. Collection method: clinical testing. Allele origin: germline.